The following is an entry in ClinVar:

ClinVar aggregate classification (germline): Uncertain significance. Review status: criteria provided, multiple submitters, no conflicts (2 of 4 stars). 2 submissions from 2 submitters: Uncertain significance (2). Last evaluated 2022-05-18.

Conditions:
Charcot-Marie-Tooth disease axonal type 2O. Also called: CHARCOT-MARIE-TOOTH NEUROPATHY, AXONAL, TYPE 2O; CHARCOT-MARIE-TOOTH DISEASE, AXONAL, AUTOSOMAL DOMINANT, TYPE 2O; Charcot-Marie-Tooth Neuropathy Type 2O; Charcot-Marie-Tooth disease, axonal, type 20. Identifiers: Orphanet 284232, MedGen C3280220, MONDO:0013644, OMIM 614228.
Inborn genetic diseases. Identifiers: MedGen C0950123, MeSH D030342.

Allele frequency attached by ClinVar (database versions not stated): gnomAD exomes below 0.00001.
gnomAD v4.1: 3 of 1,614,132 alleles (0.00019%); highest among the groups gnomAD compares: Non-Finnish European, 0.00025%; no homozygotes.

Submissions (2):

Ambry Genetics
Classification: Uncertain significance for Inborn genetic diseases. Last evaluated: 2022-05-18. Review status: criteria provided, single submitter. Criteria: Ambry Variant Classification Scheme 2023. Collection method: clinical testing. Allele origin: germline.

Labcorp Genetics (formerly Invitae), Labcorp
Classification: Uncertain significance for Charcot-Marie-Tooth disease axonal type 2O. Last evaluated: 2022-05-10. Review status: criteria provided, single submitter. Criteria: Invitae Variant Classification Sherloc (09022015). Collection method: clinical testing. Allele origin: germline.
Comment: This sequence change replaces arginine, which is basic and polar, with cysteine, which is neutral and slightly polar, at codon 462 of the DYNC1H1 protein (p.Arg462Cys). This variant is not present in population databases (gnomAD no frequency). This variant has not been reported in the literature in individuals affected with DYNC1H1-related conditions. Algorithms developed to predict the effect of missense changes on protein structure and function are either unavailable or do not agree on the potential impact of this missense change (SIFT: "Deleterious"; PolyPhen-2: "Probably Damaging"; Align-GVGD: "Class C0"). In summary, the available evidence is currently insufficient to determine the role of this variant in disease. Therefore, it has been classified as a Variant of Uncertain Significance.

NM_001376.5(DYNC1H1):c.1384C>T (p.Arg462Cys)

Gene: DYNC1H1 (dynein cytoplasmic 1 heavy chain 1; plus strand). Cytogenetic location: 14q32.31.
Variant type: single nucleotide variant.
Coding change: c.1384C>T on transcript NM_001376.5 (MANE Select); coding-DNA position 1384, C replaced by T.
Protein change: p.Arg462Cys; replaces arginine 462 with cysteine.
Molecular consequence: missense variant.
Genome position (GRCh38, 1-based): chr14:101,983,532, C>T. VCF-style: chr14-101983532-C-T. GRCh37 (hg19) VCF-style: chr14-102449869-C-T.
Other names: short protein forms R462C.
Identifiers: ClinVar variation 1954943 (VCV001954943.6), dbSNP rs2503686605, ClinGen allele CA391015775.